The following is an entry in ClinVar:

NM_007294.4(BRCA1):c.5467+24G>A

Gene: BRCA1 (BRCA1 DNA repair associated; minus strand). Cytogenetic location: 17q21.31.
Variant type: single nucleotide variant.
Coding change: c.5467+24G>A on transcript NM_007294.4 (MANE Select); 24 bases into the intron after coding-DNA position 5467, G replaced by A.
Molecular consequence: intron variant.
Genome position (GRCh38, 1-based): chr17:43,047,619, C>T on the plus strand (G>A on the coding strand, the complement: BRCA1 is on the minus strand). VCF-style: chr17-43047619-C-T. GRCh37 (hg19) VCF-style: chr17-41199636-C-T.
Other names: c.2014+24G>A (NM_001408458.1, NM_001408461.1, NM_001408464.1 and 7 more transcripts); c.4576+24G>A (NM_001407967.1); c.5086+24G>A (NM_001407959.1); c.5200+24G>A (NM_001407931.1, NM_001407932.1, NM_001407928.1 and 4 more transcripts); c.5323+24G>A (NM_001407747.1, NM_001407745.1, NM_001407737.1 and 18 more transcripts); c.5083+24G>A (NM_001407962.1, NM_001407960.1); c.1654+24G>A (NM_001408512.1); c.1777+24G>A (NM_001408510.1); and 83 more.
Identifiers: ClinVar variation 868951 (VCV000868951.3), dbSNP rs2050970770, ClinGen allele CA916080722.
Genomic context (GRCh38, chr17:43,047,619, plus strand): 5'-GCTACTCAAGCACCAGGTAATGAGTGATAAACCAAACCCATGCAAAAGGACCCCATATAG[C>T]ACAGGTACATGCAGGCACCTTACCATGGAAGCCATTGTCCTCTGTCCAGGCATCTGGCTG-3'

Conditions:
Breast-ovarian cancer, familial, susceptibility to, 1 (BROVCA1). Also called: BRCA1 Hereditary Breast and Ovarian Cancer; OVARIAN CANCER, SUSCEPTIBILITY TO. Identifiers: Orphanet 145, MedGen C2676676, MONDO:0011450, OMIM 604370. Disease mechanism: loss of function.

Submission:

Brotman Baty Institute, University of Washington
No classification provided (evidence only). Condition: Breast-ovarian cancer, familial 1. Review status: no classification provided. Collection method: in vitro. Allele origin: not applicable. Functional consequence: functionally_normal.
ClinVar note: "not provided" was previously submitted as the classification for the variant. However, the classification appeared to be based only on an observation of functional data so it was converted to no classification on 2025-07-30.